The following is an entry in ClinVar:

ClinVar aggregate classification (germline): Conflicting classifications of pathogenicity. Review status: criteria provided, conflicting classifications (1 of 4 stars). 4 submissions from 4 submitters: Uncertain significance (1); Benign (1); Likely benign (2). Last evaluated 2025-10-13.

Conditions:
NPHP4-related disorder. Also called: NPHP4-related condition; NPHP4-related disorders. Identifiers: MedGen CN239384.
Nephronophthisis. Also called: Juvenile Nephronophthisis. Identifiers: Orphanet 655, MedGen C0687120, MONDO:0019005, HP:0000090.

Allele frequency attached by ClinVar (database versions not stated): gnomAD 0.00004 and 0.00007; TOPMed 0.00005; gnomAD exomes 0.00007 and 0.00012; ExAC 0.00018; 1000 Genomes Project 0.00060; 1000 Genomes Project 30x 0.00062.
gnomAD v4.1: 106 of 1,610,210 alleles (0.0066%); highest among the groups gnomAD compares: East Asian, 0.23%; no homozygotes.

Submissions (4):

Labcorp Genetics (formerly Invitae), Labcorp
Classification: Benign for Nephronophthisis. Last evaluated: 2025-10-13. Review status: criteria provided, single submitter. Criteria: Invitae Variant Classification Sherloc (09022015). Collection method: clinical testing. Allele origin: germline.

PreventionGenetics, part of Exact Sciences
Classification: Likely benign for NPHP4-related condition. Last evaluated: 2024-10-28. Review status: criteria provided, single submitter. Criteria: ACMG Guidelines, 2015. Collection method: clinical testing. Allele origin: germline.
Comment: This variant is classified as likely benign based on ACMG/AMP sequence variant interpretation guidelines (Richards et al. 2015 PMID: 25741868, with internal and published modifications).

Blueprint Genetics
Classification: Likely benign. Last evaluated: 2023-09-15. Review status: criteria provided, single submitter. Criteria: ACMG Guidelines, 2015. Collection method: clinical testing. Allele origin: germline.

Eurofins Ntd Llc (ga)
Classification: Uncertain significance. Last evaluated: 2018-09-12. Review status: criteria provided, single submitter. Criteria: EGL ClinVar v180209 classification definitions. Collection method: clinical testing. Allele origin: germline. Observed: 1 variant allele, 1 heterozygote.

NM_015102.5(NPHP4):c.1120-9T>A

Gene: NPHP4 (nephrocystin 4; minus strand). Cytogenetic location: 1p36.31.
Variant type: single nucleotide variant.
Coding change: c.1120-9T>A on transcript NM_015102.5 (MANE Select); 9 bases into the intron before coding-DNA position 1120, T replaced by A.
Molecular consequence: intron variant.
Genome position (GRCh38, 1-based): chr1:5,933,338, A>T on the plus strand (T>A on the coding strand, the complement: NPHP4 is on the minus strand). VCF-style: chr1-5933338-A-T. GRCh37 (hg19) VCF-style: chr1-5993398-A-T.
Other names: c.-247-9T>A (NM_001291594.2, NM_001291593.2).
Identifiers: ClinVar variation 598698 (VCV000598698.17), dbSNP rs570380438, ClinGen allele CA554618.
Genomic context (GRCh38, chr1:5,933,338, plus strand): 5'-AGCGGACCATGTGCATGCATGCCAGGTTGGACAGAGAGGTGACCGAAGCTGCCTAGAATT[A>T]AAACAAAGCACATCGGTGTATGAGTTATCACAGAAGTCACCTGGAGAGGGGAAATCAACA-3'